The following is an entry in ClinVar:

NM_016356.5(DCDC2):c.992A>T (p.Glu331Val)

Gene: DCDC2 (doublecortin domain containing 2; minus strand). Cytogenetic location: 6p22.3.
Variant type: single nucleotide variant.
Coding change: c.992A>T on transcript NM_016356.5 (MANE Select); coding-DNA position 992, A replaced by T.
Protein change: p.Glu331Val; replaces glutamic acid 331 with valine.
Molecular consequence: missense variant.
Genome position (GRCh38, 1-based): chr6:24,205,033, T>A on the plus strand (A>T on the coding strand, the complement: DCDC2 is on the minus strand). VCF-style: chr6-24205033-T-A. GRCh37 (hg19) VCF-style: chr6-24205261-T-A.
Other names: c.992A>T, p.Glu331Val (NM_001195610.2); short protein forms E331V.
Identifiers: ClinVar variation 1957520 (VCV001957520.5), dbSNP rs2532262578, ClinGen allele CA363277449.

ClinVar aggregate classification (germline): Uncertain significance (1 of 4 stars; one submission).

Conditions:
Isolated neonatal sclerosing cholangitis (NSC). Also called: Sclerosing cholangitis, neonatal. Identifiers: Orphanet 480556, MedGen C4479344, MONDO:0018816, OMIM 617394.
Autosomal recessive nonsyndromic hearing loss 66 (DFNB66). Also called: Deafness, autosomal recessive 66. Identifiers: Orphanet 90636, MedGen C1857750, MONDO:0012442, OMIM 610212.

Submission:

Labcorp Genetics (formerly Invitae), Labcorp
Classification: Uncertain significance for Autosomal recessive nonsyndromic hearing loss 66; Isolated neonatal sclerosing cholangitis. Last evaluated: 2022-06-10. Review status: criteria provided, single submitter. Criteria: Invitae Variant Classification Sherloc (09022015). Collection method: clinical testing. Allele origin: germline.
Comment: This variant is not present in population databases (gnomAD no frequency). This variant has not been reported in the literature in individuals affected with DCDC2-related conditions. This sequence change replaces glutamic acid, which is acidic and polar, with valine, which is neutral and non-polar, at codon 331 of the DCDC2 protein (p.Glu331Val). Algorithms developed to predict the effect of missense changes on protein structure and function are either unavailable or do not agree on the potential impact of this missense change (SIFT: "Deleterious"; PolyPhen-2: "Probably Damaging"; Align-GVGD: "Class C0"). In summary, the available evidence is currently insufficient to determine the role of this variant in disease. Therefore, it has been classified as a Variant of Uncertain Significance.